The following is an entry in ClinVar:

ClinVar aggregate classification (germline): Pathogenic (1 of 4 stars; one submission).

Conditions:
Spastic paraplegia. Identifiers: MedGen C0037772, HP:0001258.

Submission:

Labcorp Genetics (formerly Invitae), Labcorp
Classification: Pathogenic for Spastic paraplegia. Last evaluated: 2022-01-11. Review status: criteria provided, single submitter. Criteria: Invitae Variant Classification Sherloc (09022015). Collection method: clinical testing. Allele origin: germline.
Comment: For these reasons, this variant has been classified as Pathogenic. This variant has not been reported in the literature in individuals affected with SACS-related conditions. This variant is not present in population databases (gnomAD no frequency). This sequence change creates a premature translational stop signal (p.Pro204Leufs*12) in the SACS gene. It is expected to result in an absent or disrupted protein product. Loss-of-function variants in SACS are known to be pathogenic (PMID: 18465152, 20876471).

Literature cited by the submitters: PubMed 18465152; PubMed 20876471.

NM_014363.6(SACS):c.611del (p.Pro204fs)

Gene: SACS (sacsin molecular chaperone; minus strand). Cytogenetic location: 13q12.12.
Variant type: Deletion.
Coding change: c.611del on transcript NM_014363.6 (MANE Select); coding-DNA position 611, one base deleted (C; older notation c.611delC).
Protein change: p.Pro204fs; shifts the reading frame from proline 204.
Molecular consequence: frameshift variant.
Genome position (GRCh38, 1-based): chr13:23,356,001, G deleted on the plus strand (C on the coding strand, the reverse complement: SACS is on the minus strand); the first of 2 consecutive G bases (chr13:23,356,001-23,356,002); deleting either gives the same sequence. VCF-style (leftmost placement, unchanged base first): chr13-23356000-AG-A. GRCh37 (hg19) VCF-style: chr13-23930139-AG-A.
Other names: c.170del, p.Pro57fs (NM_001278055.2); short protein forms P204fs, P57fs.
Identifiers: ClinVar variation 1942080 (VCV001942080.5), dbSNP rs2542404760, ClinGen allele CA2580086876.